The following is an entry in ClinVar:

ClinVar aggregate classification (germline): Pathogenic (1 of 4 stars; one submission).

Conditions:
Hereditary cancer-predisposing syndrome. Also called: Neoplastic Syndromes, Hereditary; Tumor predisposition; Hereditary Cancer Syndrome; Hereditary neoplastic syndrome. Identifiers: Orphanet 140162, MedGen C0027672, MeSH D009386, MONDO:0015356.

Submission:

Ambry Genetics
Classification: Pathogenic for Hereditary cancer-predisposing syndrome. Last evaluated: 2026-02-25. Review status: criteria provided, single submitter. Criteria: Ambry Variant Classification Scheme 2023. Collection method: clinical testing. Allele origin: germline.
Comment: The p.Q123* pathogenic mutation (also known as c.367C>T), located in coding exon 4 of the SMARCB1 gene, results from a C to T substitution at nucleotide position 367. This changes the amino acid from a glutamine to a stop codon within coding exon 4. This variant was reported in individual(s) with features consistent with SMARCB1-related tumor predisposition (Eaton KW et al. Pediatr Blood Cancer, 2011 Jan;56:7-15). This alteration is expected to result in loss of function by premature protein truncation or nonsense-mediated mRNA decay. As such, this alteration is interpreted as a disease-causing mutation.

Literature cited by the submitters: PubMed 21108436.

NM_003073.5(SMARCB1):c.367C>T (p.Gln123Ter)

Gene: SMARCB1 (SWI/SNF related BAF chromatin remodeling complex subunit B1; plus strand). Cytogenetic location: 22q11.23.
Variant type: single nucleotide variant.
Coding change: c.367C>T on transcript NM_003073.5 (MANE Select); coding-DNA position 367, C replaced by T.
Protein change: p.Gln123Ter; replaces glutamine 123 with a stop codon.
Molecular consequence: nonsense.
Genome position (GRCh38, 1-based): chr22:23,800,948, C>T. VCF-style: chr22-23800948-C-T. GRCh37 (hg19) VCF-style: chr22-24143135-C-T.
Other names: c.340C>T, p.Gln114Ter (NM_001007468.3, NM_001317946.2); c.367C>T, p.Gln123Ter (NM_001362877.2); short protein forms Q114*, Q123*.
Identifiers: ClinVar variation 4824952 (VCV004824952.1).
Genomic context (GRCh38, chr22:23,800,948, plus strand): 5'-GTGGGCAGGATCAGGCTCCTATACTGACTGGGAGGACTTTTCTTGTATCTCCTCAGGGAA[C>T]AGAAGGCCAAGAGGAACAGCCAGTGGGTACCCACCCTGCCCAACAGCTCCCACCACTTAG-3'